The following is an entry in ClinVar:

NM_003072.5(SMARCA4):c.4909_4910delinsTT (p.Glu1637Leu)

Gene: SMARCA4 (SWI/SNF related BAF chromatin remodeling complex subunit ATPase 4; plus strand). Cytogenetic location: 19p13.2.
Variant type: Indel.
Coding change: c.4909_4910delinsTT on transcript NM_003072.5 (MANE Select); coding-DNA positions 4909 to 4910, GA replaced by TT.
Protein change: p.Glu1637Leu; replaces glutamic acid 1637 with leucine.
Molecular consequence: missense variant. On other transcripts: non-coding transcript variant (1).
Genome position (GRCh38, 1-based): chr19:11,060,185-11,060,186, GA replaced by TT. VCF-style: chr19-11060185-GA-TT. GRCh37 (hg19) VCF-style: chr19-11170861-GA-TT.
Other names: c.4909_4910delGAinsTT (NM_003072.4); c.4909_4910delinsTT, p.Glu1637Leu (NM_001128844.3); c.4819_4820delinsTT, p.Glu1607Leu (NM_001128845.2); c.4816_4817delinsTT, p.Glu1606Leu (NM_001128846.2); c.4810_4811delinsTT, p.Glu1604Leu (NM_001128847.4, NM_001374457.1); c.4807_4808delinsTT, p.Glu1603Leu (NM_001128848.2); c.5005_5006delinsTT, p.Glu1669Leu (NM_001128849.3, NM_001387283.1); c.5005_5006delinsTT (NM_001128849.1); short protein forms E1607L, E1637L, E1669L, E1606L, E1603L, E1604L.
Identifiers: ClinVar variation 662241 (VCV000662241.18), dbSNP rs1600649855, ClinGen allele CA915952902.

ClinVar aggregate classification (germline): Uncertain significance. Review status: criteria provided, multiple submitters, no conflicts (2 of 4 stars). 4 submissions from 4 submitters: Uncertain significance (4). Last evaluated 2026-02-17.

Conditions:
Diffuse midline glioma, H3 K27-altered. Identifiers: MedGen C5669877, MONDO:1060171.
Intellectual disability, autosomal dominant 16 (CSS4). Also called: COFFIN-SIRIS SYNDROME 4. Identifiers: Orphanet 1465, MedGen C3553249, MONDO:0013821, OMIM 614609.
Rhabdoid tumor predisposition syndrome 2 (RTPS2). Identifiers: Orphanet 231108, Orphanet 69077, MedGen C2750074, MONDO:0013224, OMIM 613325.
Hereditary cancer-predisposing syndrome. Also called: Neoplastic Syndromes, Hereditary; Hereditary neoplastic syndrome; Tumor predisposition; Hereditary Cancer Syndrome. Identifiers: Orphanet 140162, MedGen C0027672, MeSH D009386, MONDO:0015356.

Submissions (4):

Ambry Genetics
Classification: Uncertain significance for Hereditary cancer-predisposing syndrome. Last evaluated: 2026-02-17. Review status: criteria provided, single submitter. Criteria: Ambry Variant Classification Scheme 2023. Collection method: clinical testing. Allele origin: germline.
Comment: The c.5005_5006delGAinsTT variant (also known as p.E1669L), located in coding exon 34 of the SMARCA4 gene, results from an in-frame deletion of GA and insertion of TT at nucleotide positions 5005 to 5006. This results in the substitution of the glutamic acid residue for a leucine residue at codon 1669, an amino acid with dissimilar properties. This amino acid position is highly conserved in available vertebrate species. Using the BDGP and ESEfinder splice site prediction tools, this alteration is predicted to weaken the efficiency of the native splice donor site; however, direct evidence is unavailable. In addition, the in silico prediction for this variant is inconclusive (Choi Y et al. PLoS ONE. 2012; 7(10):e46688). Since supporting evidence is limited at this time, the clinical significance of this alteration remains unclear.

Labcorp Genetics (formerly Invitae), Labcorp
Classification: Uncertain significance for Rhabdoid tumor predisposition syndrome 2. Last evaluated: 2024-03-20. Review status: criteria provided, single submitter. Criteria: Invitae Variant Classification Sherloc (09022015). Collection method: clinical testing. Allele origin: germline.
Comment: This sequence change replaces glutamic acid, which is acidic and polar, with leucine, which is neutral and non-polar, at codon 1669 of the SMARCA4 protein (p.Glu1669Leu). Information on the frequency of this variant in the gnomAD database is not available, as this variant may be reported differently in the database. This variant has not been reported in the literature in individuals affected with SMARCA4-related conditions. ClinVar contains an entry for this variant (Variation ID: 662241). Experimental studies and prediction algorithms are not available or were not evaluated, and the functional significance of this variant is currently unknown. In summary, the available evidence is currently insufficient to determine the role of this variant in disease. Therefore, it has been classified as a Variant of Uncertain Significance.

Laboratory of Medical Genetics Unit, Bambino Gesù Children's Hospital
Classification: Uncertain significance for Diffuse midline glioma, H3 K27-altered. Last evaluated: 2022-04-08. Review status: criteria provided, single submitter. Criteria: ACMG Guidelines, 2015. Collection method: research. Allele origin: germline. Affected: yes. Observed: 1 heterozygote.

Genome-Nilou Lab
Classification: Uncertain significance for Intellectual disability, autosomal dominant 16. Last evaluated: 2021-07-15. Review status: criteria provided, single submitter. Criteria: ACMG Guidelines, 2015. Collection method: clinical testing. Allele origin: germline. Affected: no.